The following is an entry in ClinVar:

NM_000521.4(HEXB):c.1303del (p.Arg435fs)

Gene: HEXB (hexosaminidase subunit beta; plus strand). Cytogenetic location: 5q13.3.
Variant type: Deletion.
Coding change: c.1303del on transcript NM_000521.4 (MANE Select); coding-DNA position 1303, one base deleted (A; older notation c.1303delA).
Protein change: p.Arg435fs; shifts the reading frame from arginine 435.
Molecular consequence: frameshift variant.
Genome position (GRCh38, 1-based): chr5:74,718,857, A deleted. VCF-style (leftmost placement, unchanged base first): chr5-74718856-TA-T. GRCh37 (hg19) VCF-style: chr5-74014681-TA-T.
Other names: c.628del, p.Arg210fs (NM_001292004.2); short protein forms R435fs, R210fs.
Identifiers: ClinVar variation 2807553 (VCV002807553.4), dbSNP rs1203948201, ClinGen allele CA813919909.

ClinVar aggregate classification (germline): Pathogenic. Review status: criteria provided, multiple submitters, no conflicts (2 of 4 stars). 2 submissions from 2 submitters: Pathogenic (2). Last evaluated 2024-11-07.

Conditions:
Sandhoff disease. Also called: GM2-GANGLIOSIDOSIS, TYPE II; HEXOSAMINIDASES A AND B DEFICIENCY; Beta-hexosaminidase-beta-subunit deficiency; GM2 gangliosidosis, type 2; Total hexosaminidase deficiency; Sandhoff-Jatzkewitz-Pilz disease. Identifiers: Orphanet 796, MedGen C0036161, MONDO:0010006, OMIM 268800.

Allele frequency attached by ClinVar (database versions not stated): TOPMed below 0.00001.

Submissions (2):

Myriad Genetics, Inc.
Classification: Pathogenic for Sandhoff disease. Last evaluated: 2024-11-07. Review status: criteria provided, single submitter. Criteria: Myriad Autosomal Dominant, Autosomal Recessive and X-Linked Classification Criteria (2023). Collection method: clinical testing. Allele origin: unknown.
Comment: NM_000521.3(HEXB):c.1303delA(R435Efs*9) is expected to be pathogenic in the context of Sandhoff disease. This variant is predicted to lead to an abnormal or absent protein product due to the creation of a premature termination codon in HEXB, a gene where loss-of-function variants are known to be pathogenic. Please note: this variant was assessed in the context of healthy population screening.

Labcorp Genetics (formerly Invitae), Labcorp
Classification: Pathogenic for Sandhoff disease. Last evaluated: 2023-06-23. Review status: criteria provided, single submitter. Criteria: Invitae Variant Classification Sherloc (09022015). Collection method: clinical testing. Allele origin: germline.
Comment: This variant has not been reported in the literature in individuals affected with HEXB-related conditions. For these reasons, this variant has been classified as Pathogenic. This variant is not present in population databases (gnomAD no frequency). This sequence change creates a premature translational stop signal (p.Arg435Glufs*9) in the HEXB gene. It is expected to result in an absent or disrupted protein product. Loss-of-function variants in HEXB are known to be pathogenic (PMID: 7550345, 18758829).

Literature cited by the submitters: PubMed 7550345 (cited by Labcorp Genetics (formerly Invitae), Labcorp); PubMed 18758829 (cited by Labcorp Genetics (formerly Invitae), Labcorp).